The following is an entry in ClinVar:

NM_152564.5(VPS13B):c.4267_4273del (p.Phe1423fs)

Gene: VPS13B (vacuolar protein sorting 13 homolog B; plus strand). Cytogenetic location: 8q22.2.
Variant type: Deletion.
Coding change: c.4267_4273del on transcript NM_152564.5 (MANE Select); coding-DNA positions 4267 to 4273, 7 bases deleted (TTCCTCT; older notation c.4267_4273delTTCCTCT).
Protein change: p.Phe1423fs; shifts the reading frame from phenylalanine 1423.
Molecular consequence: frameshift variant.
Genome position (GRCh38, 1-based): chr8:99,511,146-99,511,152, TTCCTCT deleted. VCF-style (leftmost placement, unchanged base first): chr8-99511145-ATTCCTCT-A. GRCh37 (hg19) VCF-style: chr8-100523373-ATTCCTCT-A.
Other names: c.4342_4348del, p.Phe1448fs (NM_017890.5); short protein forms F1448fs, F1423fs.
Identifiers: ClinVar variation 2864013 (VCV002864013.3), dbSNP rs2490520787, ClinGen allele CA2739268922.

ClinVar aggregate classification (germline): Pathogenic (1 of 4 stars; one submission).

Conditions:
Cohen syndrome (COH1). Also called: Cutis verticis gyrata, retinitis pigmentosa, and sensorineural deafness; PEPPER SYNDROME. Identifiers: Orphanet 193, MedGen C0265223, MONDO:0008999, OMIM 216550.

Submission:

Labcorp Genetics (formerly Invitae), Labcorp
Classification: Pathogenic for Cohen syndrome. Last evaluated: 2023-05-13. Review status: criteria provided, single submitter. Criteria: Invitae Variant Classification Sherloc (09022015). Collection method: clinical testing. Allele origin: germline.
Comment: This variant is not present in population databases (gnomAD no frequency). This sequence change creates a premature translational stop signal (p.Phe1448Leufs*2) in the VPS13B gene. It is expected to result in an absent or disrupted protein product. Loss-of-function variants in VPS13B are known to be pathogenic (PMID: 15141358, 16648375, 20461111). This variant has not been reported in the literature in individuals affected with VPS13B-related conditions. For these reasons, this variant has been classified as Pathogenic.

Literature cited by the submitters: PubMed 15141358; PubMed 16648375; PubMed 20461111.